The following is an entry in ClinVar:

ClinVar aggregate classification (germline): Uncertain significance (1 of 4 stars; one submission).

Conditions:
Holoprosencephaly 10. Identifiers: MedGen C2675857, MONDO:0976262, OMIM 621143.

Submission:

Juno Genomics, Hangzhou Juno Genomics, Inc
Classification: Uncertain significance for Holoprosencephaly 10. Review status: criteria provided, single submitter. Criteria: ACMG Guidelines, 2015. Collection method: clinical testing. Allele origin: germline.
Comment: Missense variant in a gene that has a low rate of benign missense variation.;Multiple lines of computational evidence support a deleterious effect on the gene or gene product.;Absent from controls (or at extremely low frequency if recessive) in Genome Aggregation Database.

NM_001377229.1(DISP1):c.615G>C (p.Leu205Phe)

Gene: DISP1 (dispatched RND transporter family member 1; plus strand). Cytogenetic location: 1q41.
Variant type: single nucleotide variant.
Coding change: c.615G>C on transcript NM_001377229.1 (MANE Select); coding-DNA position 615, G replaced by C.
Protein change: p.Leu205Phe; replaces leucine 205 with phenylalanine.
Molecular consequence: missense variant. On other transcripts: 5 prime UTR variant (1).
Genome position (GRCh38, 1-based): chr1:222,990,700, G>C. VCF-style: chr1-222990700-G-C. GRCh37 (hg19) VCF-style: chr1-223164042-G-C.
Other names: c.-273G>C (NM_001350630.2); c.615G>C, p.Leu205Phe (NM_001369594.1, NM_001377228.1, NM_032890.5); short protein forms L205F.
Identifiers: ClinVar variation 5006152 (VCV005006152.2).